The following is an entry in ClinVar:

NM_015311.3(OBSL1):c.1775T>A (p.Ile592Asn)

Gene: OBSL1 (obscurin like cytoskeletal adaptor 1; minus strand). Cytogenetic location: 2q35.
Variant type: single nucleotide variant.
Coding change: c.1775T>A on transcript NM_015311.3 (MANE Select); coding-DNA position 1775, T replaced by A.
Protein change: p.Ile592Asn; replaces isoleucine 592 with asparagine.
Molecular consequence: missense variant.
Genome position (GRCh38, 1-based): chr2:219,567,335, A>T on the plus strand (T>A on the coding strand, the complement: OBSL1 is on the minus strand). VCF-style: chr2-219567335-A-T. GRCh37 (hg19) VCF-style: chr2-220432057-A-T.
Other names: c.1775T>A, p.Ile592Asn (NM_001173408.2, NM_001173431.2); c.1775T>A (NM_015311.2); short protein forms I592N.
Identifiers: ClinVar variation 283841 (VCV000283841.10), dbSNP rs757609176, ClinGen allele CA2131431.

ClinVar aggregate classification (germline): Uncertain significance. Review status: criteria provided, multiple submitters, no conflicts (2 of 4 stars). 3 submissions from 3 submitters: Uncertain significance (3). Last evaluated 2023-12-06.

Allele frequency attached by ClinVar (database versions not stated): ExAC 0.00001; gnomAD 0.00001; gnomAD exomes 0.00001; TOPMed 0.00001.
gnomAD v4.1: 54 of 1,610,574 alleles (0.0034%); highest among the groups gnomAD compares: Non-Finnish European, 0.0043%; no homozygotes.

Submissions (3):

Labcorp Genetics (formerly Invitae), Labcorp
Classification: Uncertain significance. Last evaluated: 2023-12-06. Review status: criteria provided, single submitter. Criteria: Invitae Variant Classification Sherloc (09022015). Collection method: clinical testing. Allele origin: germline.
Comment: This sequence change replaces isoleucine, which is neutral and non-polar, with asparagine, which is neutral and polar, at codon 592 of the OBSL1 protein (p.Ile592Asn). This variant is present in population databases (rs757609176, gnomAD 0.002%). This variant has not been reported in the literature in individuals affected with OBSL1-related conditions. ClinVar contains an entry for this variant (Variation ID: 283841). An algorithm developed to predict the effect of missense changes on protein structure and function (PolyPhen-2) suggests that this variant is likely to be disruptive. In summary, the available evidence is currently insufficient to determine the role of this variant in disease. Therefore, it has been classified as a Variant of Uncertain Significance.

GeneDx
Classification: Uncertain significance. Last evaluated: 2022-12-21. Review status: criteria provided, single submitter. Criteria: GeneDx Variant Classification Process June 2021. Collection method: clinical testing. Allele origin: germline. Affected: yes.
Comment: Not observed at significant frequency in large population cohorts (gnomAD); In silico analysis supports that this missense variant has a deleterious effect on protein structure/function; Has not been previously published as pathogenic or benign to our knowledge

Eurofins Ntd Llc (ga)
Classification: Uncertain significance. Last evaluated: 2015-10-26. Review status: criteria provided, single submitter. Criteria: EGL Classification Definitions 2015. Collection method: clinical testing. Allele origin: germline. Observed: 1 variant allele, 1 heterozygote.